The following is an entry in ClinVar:

NM_012338.4(TSPAN12):c.304G>T (p.Val102Phe)

Gene: TSPAN12 (tetraspanin 12; minus strand). Cytogenetic location: 7q31.31.
Variant type: single nucleotide variant.
Coding change: c.304G>T on transcript NM_012338.4 (MANE Select); coding-DNA position 304, G replaced by T.
Protein change: p.Val102Phe; replaces valine 102 with phenylalanine.
Molecular consequence: missense variant.
Genome position (GRCh38, 1-based): chr7:120,815,785, C>A on the plus strand (G>T on the coding strand, the complement: TSPAN12 is on the minus strand). VCF-style: chr7-120815785-C-A. GRCh37 (hg19) VCF-style: chr7-120455839-C-A.
Other names: short protein forms V102F.
Identifiers: ClinVar variation 358764 (VCV000358764.14), dbSNP rs777946907, ClinGen allele CA4453948.

ClinVar aggregate classification (germline): Uncertain significance. Review status: criteria provided, multiple submitters, no conflicts (2 of 4 stars). 2 submissions from 2 submitters: Uncertain significance (2). Last evaluated 2022-07-06.

Conditions:
Exudative vitreoretinopathy 5 (EVR5). Identifiers: Orphanet 891, MedGen C2750079, MONDO:0013218, OMIM 613310.

Allele frequency attached by ClinVar (database versions not stated): ExAC 0.00001; gnomAD 0.00001; gnomAD exomes 0.00001; TOPMed 0.00001.
gnomAD v4.1: 3 of 1,612,772 alleles (0.00019%); highest among the groups gnomAD compares: Non-Finnish European, 0.00025%; no homozygotes.

Submissions (2):

Labcorp Genetics (formerly Invitae), Labcorp
Classification: Uncertain significance. Last evaluated: 2022-07-06. Review status: criteria provided, single submitter. Criteria: Invitae Variant Classification Sherloc (09022015). Collection method: clinical testing. Allele origin: germline.
Comment: In summary, the available evidence is currently insufficient to determine the role of this variant in disease. Therefore, it has been classified as a Variant of Uncertain Significance. Algorithms developed to predict the effect of missense changes on protein structure and function are either unavailable or do not agree on the potential impact of this missense change (SIFT: "Deleterious"; PolyPhen-2: "Possibly Damaging"; Align-GVGD: "Class C0"). ClinVar contains an entry for this variant (Variation ID: 358764). This variant has not been reported in the literature in individuals affected with TSPAN12-related conditions. This variant is present in population databases (rs777946907, gnomAD 0.0009%). This sequence change replaces valine, which is neutral and non-polar, with phenylalanine, which is neutral and non-polar, at codon 102 of the TSPAN12 protein (p.Val102Phe).

Illumina Laboratory Services, Illumina
Classification: Uncertain significance for Exudative vitreoretinopathy 5. Last evaluated: 2018-01-13. Review status: criteria provided, single submitter. Criteria: ICSL Variant Classification Criteria 13 December 2019. Collection method: clinical testing. Allele origin: germline.